The following is an entry in ClinVar:

NM_003072.5(SMARCA4):c.4636-3C>T

Gene: SMARCA4 (SWI/SNF related BAF chromatin remodeling complex subunit ATPase 4; plus strand). Cytogenetic location: 19p13.2.
Variant type: single nucleotide variant.
Coding change: c.4636-3C>T on transcript NM_003072.5 (MANE Select); 3 bases into the intron before coding-DNA position 4636, C replaced by T.
Molecular consequence: intron variant.
Genome position (GRCh38, 1-based): chr19:11,059,750, C>T. VCF-style: chr19-11059750-C-T. GRCh37 (hg19) VCF-style: chr19-11170426-C-T.
Other names: c.4636-3C>T (NM_001128844.3); c.4732-3C>T (NM_001128849.3, NM_001387283.1); c.4537-3C>T (NM_001128847.4, NM_001374457.1); c.4546-3C>T (NM_001128845.2); c.4543-3C>T (NM_001128846.2); c.4534-3C>T (NM_001128848.2).
Identifiers: ClinVar variation 486495 (VCV000486495.12), dbSNP rs1555795859, ClinGen allele CA658658774.

ClinVar aggregate classification (germline): Uncertain significance. Review status: criteria provided, multiple submitters, no conflicts (2 of 4 stars). 2 submissions from 2 submitters: Uncertain significance (2). Last evaluated 2026-02-17.

Conditions:
Hereditary cancer-predisposing syndrome. Also called: Tumor predisposition; Hereditary Cancer Syndrome; Neoplastic Syndromes, Hereditary; Hereditary neoplastic syndrome. Identifiers: Orphanet 140162, MedGen C0027672, MeSH D009386, MONDO:0015356.
Rhabdoid tumor predisposition syndrome 2 (RTPS2). Identifiers: Orphanet 231108, Orphanet 69077, MedGen C2750074, MONDO:0013224, OMIM 613325.

Submissions (2):

Ambry Genetics
Classification: Uncertain significance for Hereditary cancer-predisposing syndrome. Last evaluated: 2026-02-17. Review status: criteria provided, single submitter. Criteria: Ambry Variant Classification Scheme 2023. Collection method: clinical testing. Allele origin: germline.
Comment: The c.4732-3C>T intronic variant results from a C to T substitution 3 nucleotides upstream from coding exon 33 in the SMARCA4 gene. This nucleotide position is well conserved in available vertebrate species. In silico splice site analysis predicts that this alteration will not have any significant effect on splicing. Based on the available evidence, the clinical significance of this variant remains unclear.

Labcorp Genetics (formerly Invitae), Labcorp
Classification: Uncertain significance for Rhabdoid tumor predisposition syndrome 2. Last evaluated: 2025-12-10. Review status: criteria provided, single submitter. Criteria: Invitae Variant Classification Sherloc (09022015). Collection method: clinical testing. Allele origin: germline.
Comment: This sequence change falls in intron 33 of the SMARCA4 gene. It does not directly change the encoded amino acid sequence of the SMARCA4 protein. It affects a nucleotide within the consensus splice site. This variant is not present in population databases (gnomAD no frequency). This variant has not been reported in the literature in individuals affected with SMARCA4-related conditions. ClinVar contains an entry for this variant (Variation ID: 486495). Variants that disrupt the consensus splice site are a relatively common cause of aberrant splicing (PMID: 17576681, 9536098). Algorithms developed to predict the effect of sequence changes on RNA splicing suggest that this variant is not likely to affect RNA splicing. In summary, the available evidence is currently insufficient to determine the role of this variant in disease. Therefore, it has been classified as a Variant of Uncertain Significance.

Literature cited by the submitters: PubMed 17576681 (cited by Labcorp Genetics (formerly Invitae), Labcorp); PubMed 9536098 (cited by Labcorp Genetics (formerly Invitae), Labcorp).